The following is an entry in ClinVar:

NM_001375524.1(TRRAP):c.6149C>T (p.Ser2050Leu)

Gene: TRRAP (transformation/transcription domain associated protein; plus strand). Cytogenetic location: 7q22.1.
Variant type: single nucleotide variant.
Coding change: c.6149C>T on transcript NM_001375524.1 (MANE Select); coding-DNA position 6149, C replaced by T.
Protein change: p.Ser2050Leu; replaces serine 2050 with leucine.
Molecular consequence: missense variant.
Genome position (GRCh38, 1-based): chr7:98,956,451, C>T. VCF-style: chr7-98956451-C-T. GRCh37 (hg19) VCF-style: chr7-98554074-C-T.
Other names: c.6128C>T, p.Ser2043Leu (NM_001244580.2); c.6074C>T, p.Ser2025Leu (NM_003496.4); short protein forms S2025L, S2043L, S2050L.
Identifiers: ClinVar variation 978129 (VCV000978129.3), dbSNP rs1791617298, ClinGen allele CA368327052.
Genomic context (GRCh38, chr7:98,956,451, plus strand): 5'-TTTTTAAGCCGGATTCAGATATGGACCCAAATTCCAGTGGAGAAGGAGTCAATTCTGTCT[C>T]ATCCTCCATTAAGAGAGGCCTGTCCGTGGATTCTGCCCAGGAAGTGAAACGCTTTAGGAC-3'
Protein context (NP_001362453.1, residues 2040-2060): NSSGEGVNSV[Ser2050Leu]SSIKRGLSVD

ClinVar aggregate classification (germline): Uncertain significance. Review status: criteria provided, multiple submitters, no conflicts (2 of 4 stars). 2 submissions from 2 submitters: Uncertain significance (2). Last evaluated 2025-06-22.

Conditions:
Developmental delay with or without dysmorphic facies and autism. Identifiers: MedGen C5193106, MONDO:0032760, OMIM 618454.

Allele frequency attached by ClinVar (database versions not stated): TOPMed below 0.00001; gnomAD 0.00001; gnomAD exomes 0.00001.
gnomAD v4.1: 4 of 1,614,118 alleles (0.00025%); highest among the groups gnomAD compares: South Asian, 0.0011%; no homozygotes.

Submissions (2):

Labcorp Genetics (formerly Invitae), Labcorp
Classification: Uncertain significance. Last evaluated: 2025-06-22. Review status: criteria provided, single submitter. Criteria: Invitae Variant Classification Sherloc (09022015). Collection method: clinical testing. Allele origin: germline.
Comment: This sequence change replaces serine, which is neutral and polar, with leucine, which is neutral and non-polar, at codon 2025 of the TRRAP protein (p.Ser2025Leu). This variant is not present in population databases (gnomAD no frequency). This variant has not been reported in the literature in individuals affected with TRRAP-related conditions. ClinVar contains an entry for this variant (Variation ID: 978129). Invitae Evidence Modeling of protein sequence and biophysical properties (such as structural, functional, and spatial information, amino acid conservation, physicochemical variation, residue mobility, and thermodynamic stability) indicates that this missense variant is not expected to disrupt TRRAP protein function with a negative predictive value of 80%. In summary, the available evidence is currently insufficient to determine the role of this variant in disease. Therefore, it has been classified as a Variant of Uncertain Significance.

New York Genome Center
Classification: Uncertain significance for Developmental delay with or without dysmorphic facies and autism. Last evaluated: 2019-12-19. Review status: criteria provided, single submitter. Criteria: NYGC Assertion Criteria 2020. Collection method: clinical testing. Allele origin: inherited. Observed: 1 heterozygote. Study: CSER-NYCKidSeq.